The following is an entry in ClinVar:

ClinVar aggregate classification (germline): Uncertain significance (1 of 4 stars; one submission).

Conditions:
Severe X-linked myotubular myopathy (CNMX). Also called: X-linked centronuclear myopathy; Myotubular myopathy, X-linked; MYOTUBULAR MYOPATHY 1. Identifiers: Orphanet 596, MedGen C0410203, MONDO:0010683, OMIM 310400.

Submission:

Labcorp Genetics (formerly Invitae), Labcorp
Classification: Uncertain significance for Severe X-linked myotubular myopathy. Last evaluated: 2022-11-17. Review status: criteria provided, single submitter. Criteria: Invitae Variant Classification Sherloc (09022015). Collection method: clinical testing. Allele origin: germline.
Comment: In summary, the available evidence is currently insufficient to determine the role of this variant in disease. Therefore, it has been classified as a Variant of Uncertain Significance. Algorithms developed to predict the effect of missense changes on protein structure and function (SIFT, PolyPhen-2, Align-GVGD) all suggest that this variant is likely to be tolerated. This variant has not been reported in the literature in individuals affected with MTM1-related conditions. This variant is not present in population databases (gnomAD no frequency). This sequence change replaces proline, which is neutral and non-polar, with serine, which is neutral and polar, at codon 543 of the MTM1 protein (p.Pro543Ser).

NM_000252.3(MTM1):c.1627C>T (p.Pro543Ser)

Gene: MTM1 (myotubularin 1; plus strand). Cytogenetic location: Xq28.
Variant type: single nucleotide variant.
Coding change: c.1627C>T on transcript NM_000252.3 (MANE Select); coding-DNA position 1627, C replaced by T.
Protein change: p.Pro543Ser; replaces proline 543 with serine.
Molecular consequence: missense variant.
Genome position (GRCh38, 1-based): chrX:150,663,592, C>T. VCF-style: chrX-150663592-C-T. GRCh37 (hg19) VCF-style: chrX-149832065-C-T.
Other names: c.1627C>T, p.Pro543Ser (NM_001376906.1, NM_001376908.1); c.1516C>T, p.Pro506Ser (NM_001376907.1); short protein forms P506S, P543S.
Identifiers: ClinVar variation 1897751 (VCV001897751.5), dbSNP rs2522460662, ClinGen allele CA415260471.